The following is an entry in ClinVar:

NM_003737.4(DCHS1):c.7906C>T (p.Leu2636Phe)

Gene: DCHS1 (dachsous cadherin-related 1; minus strand). Cytogenetic location: 11p15.4.
Variant type: single nucleotide variant.
Coding change: c.7906C>T on transcript NM_003737.4 (MANE Select); coding-DNA position 7906, C replaced by T.
Protein change: p.Leu2636Phe; replaces leucine 2636 with phenylalanine.
Molecular consequence: missense variant.
Genome position (GRCh38, 1-based): chr11:6,623,770, G>A on the plus strand (C>T on the coding strand, the complement: DCHS1 is on the minus strand). VCF-style: chr11-6623770-G-A. GRCh37 (hg19) VCF-style: chr11-6645001-G-A.
Other names: short protein forms L2636F.
Identifiers: ClinVar variation 4760308 (VCV004760308.1).

ClinVar aggregate classification (germline): Uncertain significance (1 of 4 stars; one submission).

gnomAD v4.1: 6 of 1,613,974 alleles (0.00037%); highest among the groups gnomAD compares: Non-Finnish European, 0.00042%; no homozygotes.

Submission:

Labcorp Genetics (formerly Invitae), Labcorp
Classification: Uncertain significance. Last evaluated: 2025-12-29. Review status: criteria provided, single submitter. Criteria: Invitae Variant Classification Sherloc (09022015). Collection method: clinical testing. Allele origin: germline.
Comment: This sequence change replaces leucine, which is neutral and non-polar, with phenylalanine, which is neutral and non-polar, at codon 2636 of the DCHS1 protein (p.Leu2636Phe). This variant is not present in population databases (gnomAD no frequency). This variant has not been reported in the literature in individuals affected with DCHS1-related conditions. Invitae Evidence Modeling of protein sequence and biophysical properties (such as structural, functional, and spatial information, amino acid conservation, physicochemical variation, residue mobility, and thermodynamic stability) indicates that this missense variant is not expected to disrupt DCHS1 protein function with a negative predictive value of 80%. In summary, the available evidence is currently insufficient to determine the role of this variant in disease. Therefore, it has been classified as a Variant of Uncertain Significance.